The following is an entry in ClinVar:

ClinVar aggregate classification (germline): Benign (0 of 4 stars; one submission).

Conditions:
KAT2B-related disorder. Also called: KAT2B-related condition.

Allele frequency attached by ClinVar (database versions not stated): 1000 Genomes Project 30x 0.00156; 1000 Genomes Project 0.00160; gnomAD 0.00228; TOPMed 0.00254; gnomAD exomes 0.00331; ExAC 0.00338; ESP Exome Variant Server 0.00361.
gnomAD v4.1: 5,246 of 1,613,712 alleles (0.33%); highest among the groups gnomAD compares: Middle Eastern, 1.1%; 23 homozygotes.

Submission:

PreventionGenetics, part of Exact Sciences
Classification: Benign for KAT2B-related condition. Last evaluated: 2019-06-21. Review status: no assertion criteria provided. Collection method: clinical testing. Allele origin: germline.
Comment: This variant is classified as benign based on ACMG/AMP sequence variant interpretation guidelines (Richards et al. 2015 PMID: 25741868, with internal and published modifications).

NM_003884.5(KAT2B):c.1957C>T (p.Arg653Trp)

Gene: KAT2B (lysine acetyltransferase 2B; plus strand). Cytogenetic location: 3p24.3.
Variant type: single nucleotide variant.
Coding change: c.1957C>T on transcript NM_003884.5 (MANE Select); coding-DNA position 1957, C replaced by T.
Protein change: p.Arg653Trp; replaces arginine 653 with tryptophan.
Molecular consequence: missense variant.
Genome position (GRCh38, 1-based): chr3:20,140,317, C>T. VCF-style: chr3-20140317-C-T. GRCh37 (hg19) VCF-style: chr3-20181809-C-T.
Other names: short protein forms R653W.
Identifiers: ClinVar variation 3037788 (VCV003037788.2), dbSNP rs116196143, ClinGen allele CA2284763.